The following is an entry in ClinVar:

ClinVar aggregate classification (germline): Uncertain significance. Review status: criteria provided, multiple submitters, no conflicts (2 of 4 stars). 2 submissions from 2 submitters: Uncertain significance (2). Last evaluated 2026-02-18.

Conditions:
Dyskeratosis congenita. Identifiers: Orphanet 1775, MedGen C0265965, MONDO:0015780.

Allele frequency attached by ClinVar (database versions not stated): gnomAD exomes below 0.00001; ExAC 0.00002; ESP Exome Variant Server 0.00008.

Submissions (2):

GeneDx
Classification: Uncertain significance. Last evaluated: 2026-02-18. Review status: criteria provided, single submitter. Criteria: GeneDx Variant Classification Process June 2021. Collection method: clinical testing. Allele origin: germline.
Comment: Not observed at significant frequency in large population cohorts (gnomAD); In silico analysis suggests that this missense variant does not alter protein structure/function; Has not been previously published as pathogenic or benign to our knowledge

Labcorp Genetics (formerly Invitae), Labcorp
Classification: Uncertain significance for Dyskeratosis congenita. Last evaluated: 2022-08-19. Review status: criteria provided, single submitter. Criteria: Invitae Variant Classification Sherloc (09022015). Collection method: clinical testing. Allele origin: germline.
Comment: In summary, the available evidence is currently insufficient to determine the role of this variant in disease. Therefore, it has been classified as a Variant of Uncertain Significance. This sequence change replaces lysine, which is basic and polar, with asparagine, which is neutral and polar, at codon 74 of the CTC1 protein (p.Lys74Asn). This variant is present in population databases (rs373659122, gnomAD 0.003%). This variant has not been reported in the literature in individuals affected with CTC1-related conditions. Algorithms developed to predict the effect of missense changes on protein structure and function are either unavailable or do not agree on the potential impact of this missense change (SIFT: "Deleterious"; PolyPhen-2: "Benign"; Align-GVGD: "Class C0").

NM_025099.6(CTC1):c.222G>C (p.Lys74Asn)

Gene: CTC1 (CST telomere replication complex component 1; minus strand). Cytogenetic location: 17p13.1.
Variant type: single nucleotide variant.
Coding change: c.222G>C on transcript NM_025099.6 (MANE Select); coding-DNA position 222, G replaced by C.
Protein change: p.Lys74Asn; replaces lysine 74 with asparagine.
Molecular consequence: missense variant. On other transcripts: non-coding transcript variant (1).
Genome position (GRCh38, 1-based): chr17:8,238,605, C>G on the plus strand (G>C on the coding strand, the complement: CTC1 is on the minus strand). VCF-style: chr17-8238605-C-G. GRCh37 (hg19) VCF-style: chr17-8141923-C-G.
Other names: c.222G>C, p.Lys74Asn (NM_001411067.1); c.222G>C (NM_025099.5); short protein forms K74N.
Identifiers: ClinVar variation 2171137 (VCV002171137.5), dbSNP rs373659122, ClinGen allele CA8372674.
Genomic context (GRCh38, chr17:8,238,605, plus strand): 5'-GGCCTGGTATGCACTACTGCTCCACGACAGGTGGCTGCAGCATGGGAGACGCTGGTGAGT[C>G]TTGAGGTCCTGTACTGAGACGAAGCTGTAGAGTGAAGGGAACAGAGGTCCTGCAAAGCCA-3'
Protein context (NP_079375.3, residues 64-84): SYSFVSVQDL[Lys74Asn]THQRLPCCSH